The following is an entry in ClinVar:

NC_000016.10:g.(?_13928022)_(13928241_?)del

Gene: ERCC4 (ERCC excision repair 4, endonuclease catalytic subunit; plus strand). Cytogenetic location: 16p13.12.
Variant type: Deletion.
Identifiers: ClinVar variation 541254 (VCV000541254.6).

ClinVar aggregate classification (germline): Pathogenic (1 of 4 stars; one submission).

Conditions:
Xeroderma pigmentosum, group F (XPF). Also called: XERODERMA PIGMENTOSUM VI; XP, GROUP F; XERODERMA PIGMENTOSUM, TYPE F; Xeroderma pigmentosum, type 6; XERODERMA PIGMENTOSUM, COMPLEMENTATION GROUP F; ERCC4-Related Xeroderma Pigmentosum. Identifiers: MedGen C0268140, MONDO:0010215, OMIM 278760.
Cockayne syndrome. Identifiers: Orphanet 191, MedGen C0009207, MONDO:0016006.
Fanconi anemia complementation group Q. Identifiers: Orphanet 84, MedGen C3808988, MONDO:0014108, OMIM 615272.

Submission:

Labcorp Genetics (formerly Invitae), Labcorp
Classification: Pathogenic for Fanconi anemia complementation group Q; Xeroderma pigmentosum, group F; Cockayne syndrome. Last evaluated: 2022-11-03. Review status: criteria provided, single submitter. Criteria: Invitae Variant Classification Sherloc (09022015). Collection method: clinical testing. Allele origin: germline.
Comment: For these reasons, this variant has been classified as Pathogenic. This variant has not been reported in the literature in individuals affected with ERCC4-related conditions. This variant is a gross deletion of the genomic region encompassing exon(s) 4 of the ERCC4 gene. This deletion is out-of-frame, and is expected to create a premature termination codon and result in an absent or disrupted protein product. Loss-of-function variants in ERCC4 are known to be pathogenic (PMID: 9580660).

Literature cited by the submitters: PubMed 9580660.